The following is an entry in ClinVar:

ClinVar aggregate classification (germline): Uncertain significance. Review status: criteria provided, multiple submitters, no conflicts (2 of 4 stars). 3 submissions from 3 submitters: Uncertain significance (2). 1 of the submissions does not count toward it. Last evaluated 2026-06-23.

Conditions:
VPS13B-related disorder. Also called: VPS13B-related condition.
Cohen syndrome (COH1). Also called: PEPPER SYNDROME; Cutis verticis gyrata, retinitis pigmentosa, and sensorineural deafness. Identifiers: Orphanet 193, MedGen C0265223, MONDO:0008999, OMIM 216550.

Allele frequency attached by ClinVar (database versions not stated): ExAC 0.00002; gnomAD 0.00002 and 0.00003; gnomAD exomes 0.00002; TOPMed 0.00003; ESP Exome Variant Server 0.00015; 1000 Genomes Project 0.00020; 1000 Genomes Project 30x 0.00047.
gnomAD v4.1: 29 of 1,543,348 alleles (0.0019%); highest among the groups gnomAD compares: African/African-American, 0.014%; no homozygotes.

Submissions (3):

PreventionGenetics, part of Exact Sciences
Classification: Uncertain significance for VPS13B-related condition. Last evaluated: 2026-06-23. Review status: criteria provided, single submitter. Criteria: ACMG Guidelines, 2015. Collection method: clinical testing. Allele origin: germline.
Comment: The VPS13B c.1865C>T variant is predicted to result in the amino acid substitution p.Thr622Ile. To our knowledge, this variant has not been reported in the literature. This variant is reported in 0.021% of alleles in individuals of African descent in gnomAD. At this time, the clinical significance of this variant is uncertain due to the absence of conclusive functional and genetic evidence.

Labcorp Genetics (formerly Invitae), Labcorp
Classification: Uncertain significance for Cohen syndrome. Last evaluated: 2022-09-12. Review status: criteria provided, single submitter. Criteria: Invitae Variant Classification Sherloc (09022015). Collection method: clinical testing. Allele origin: germline.
Comment: This sequence change replaces threonine, which is neutral and polar, with isoleucine, which is neutral and non-polar, at codon 622 of the VPS13B protein (p.Thr622Ile). This variant is present in population databases (rs147043610, gnomAD 0.02%). This variant has not been reported in the literature in individuals affected with VPS13B-related conditions. ClinVar contains an entry for this variant (Variation ID: 968284). Advanced modeling of protein sequence and biophysical properties (such as structural, functional, and spatial information, amino acid conservation, physicochemical variation, residue mobility, and thermodynamic stability) performed at Invitae indicates that this missense variant is not expected to disrupt VPS13B protein function. In summary, the available evidence is currently insufficient to determine the role of this variant in disease. Therefore, it has been classified as a Variant of Uncertain Significance.

Natera, Inc.
Classification: Uncertain significance for Cohen syndrome. Last evaluated: 2020-04-14. Review status: no assertion criteria provided. Collection method: clinical testing. Allele origin: germline. Not counted in ClinVar's aggregate classification.

NM_152564.5(VPS13B):c.1865C>T (p.Thr622Ile)

Gene: VPS13B (vacuolar protein sorting 13 homolog B; plus strand). Cytogenetic location: 8q22.2.
Variant type: single nucleotide variant.
Coding change: c.1865C>T on transcript NM_152564.5 (MANE Select); coding-DNA position 1865, C replaced by T.
Protein change: p.Thr622Ile; replaces threonine 622 with isoleucine.
Molecular consequence: missense variant.
Genome position (GRCh38, 1-based): chr8:99,147,862, C>T. VCF-style: chr8-99147862-C-T. GRCh37 (hg19) VCF-style: chr8-100160090-C-T.
Other names: c.1865C>T (NM_152564.4); c.1865C>T, p.Thr622Ile (NM_015243.3, NM_017890.5); short protein forms T622I.
Identifiers: ClinVar variation 968284 (VCV000968284.10), dbSNP rs147043610, ClinGen allele CA4822770.